The following is an entry in ClinVar:

ClinVar aggregate classification (germline): Uncertain significance (1 of 4 stars; one submission).

Allele frequency attached by ClinVar (database versions not stated): gnomAD exomes 0.00001.
gnomAD v4.1: 13 of 1,477,098 alleles (0.00088%); highest among the groups gnomAD compares: Non-Finnish European, 0.0011%; no homozygotes.

Submission:

Labcorp Genetics (formerly Invitae), Labcorp
Classification: Uncertain significance. Last evaluated: 2022-08-20. Review status: criteria provided, single submitter. Criteria: Invitae Variant Classification Sherloc (09022015). Collection method: clinical testing. Allele origin: germline.
Comment: In summary, the available evidence is currently insufficient to determine the role of this variant in disease. Therefore, it has been classified as a Variant of Uncertain Significance. Variants that disrupt the consensus splice site are a relatively common cause of aberrant splicing (PMID: 17576681, 9536098). Algorithms developed to predict the effect of sequence changes on RNA splicing suggest that this variant may disrupt the consensus splice site. This variant has not been reported in the literature in individuals affected with CAMK2B-related conditions. This variant is not present in population databases (gnomAD no frequency). This sequence change falls in intron 19 of the CAMK2B gene. It does not directly change the encoded amino acid sequence of the CAMK2B protein. It affects a nucleotide within the consensus splice site.

Literature cited by the submitters: PubMed 17576681; PubMed 9536098.

NM_001220.5(CAMK2B):c.1468+4A>G

Gene: CAMK2B (calcium/calmodulin dependent protein kinase II beta; minus strand). Cytogenetic location: 7p13.
Variant type: single nucleotide variant.
Coding change: c.1468+4A>G on transcript NM_001220.5 (MANE Select); 4 bases into the intron after coding-DNA position 1468, A replaced by G.
Molecular consequence: intron variant.
Genome position (GRCh38, 1-based): chr7:44,228,792, T>C on the plus strand (A>G on the coding strand, the complement: CAMK2B is on the minus strand). VCF-style: chr7-44228792-T-C. GRCh37 (hg19) VCF-style: chr7-44268391-T-C.
Other names: c.947-7891A>G (NM_172084.3); c.1150+2214A>G (NM_172080.3); c.1036+2214A>G (NM_172083.3); c.1108+2214A>G (NM_172081.3); c.1153+2214A>G (NM_172079.3, NM_172082.3); c.1225+2214A>G (NM_001293170.2, NM_172078.3).
Identifiers: ClinVar variation 1949124 (VCV001949124.5), dbSNP rs1211005635, ClinGen allele CA838780258.
Genomic context (GRCh38, chr7:44,228,792, plus strand): 5'-GCGCCGGCCATTCGCAGGGAGCTGTCCGGCAGCAGAGGCGGCAGGCCTGGGGGCCACTAC[T>C]TACACGGGGAGGACAGGGGGCCTAGGAGAGCCGGAGACAGGCAGGGCGGGGGCCCCGCTG-3'